The following is an entry in ClinVar:

NM_005560.6(LAMA5):c.7626C>T (p.Ala2542=)

Gene: LAMA5 (laminin subunit alpha 5; minus strand). Cytogenetic location: 20q13.33.
Variant type: single nucleotide variant.
Coding change: c.7626C>T on transcript NM_005560.6 (MANE Select); coding-DNA position 7626, C replaced by T.
Protein change: p.Ala2542=; no amino-acid change (alanine 2542 retained).
Molecular consequence: synonymous variant.
Genome position (GRCh38, 1-based): chr20:62,316,909, G>A on the plus strand (C>T on the coding strand, the complement: LAMA5 is on the minus strand). VCF-style: chr20-62316909-G-A. GRCh37 (hg19) VCF-style: chr20-60891965-G-A.
Other names: c.7626C>T (NM_005560.4).
Identifiers: ClinVar variation 1566069 (VCV001566069.9), dbSNP rs773565605, ClinGen allele CA9941141.

ClinVar aggregate classification (germline): Likely benign. Review status: criteria provided, single submitter (1 of 4 stars). 2 submissions from 2 submitters: Likely benign (1). 1 of the submissions does not count toward it. Last evaluated 2021-10-16.

Conditions:
LAMA5-related disorder. Also called: LAMA5-related condition; LAMA5-Related Disorders.

Allele frequency attached by ClinVar (database versions not stated): gnomAD exomes below 0.00001 and 0.00002; TOPMed 0.00002; ExAC 0.00006.
gnomAD v4.1: 13 of 1,542,412 alleles (0.00084%); highest among the groups gnomAD compares: East Asian, 0.007%; no homozygotes.

Submissions (2):

Labcorp Genetics (formerly Invitae), Labcorp
Classification: Likely benign. Last evaluated: 2021-10-16. Review status: criteria provided, single submitter. Criteria: Invitae Variant Classification Sherloc (09022015). Collection method: clinical testing. Allele origin: germline.

PreventionGenetics, part of Exact Sciences
Classification: Likely benign for LAMA5-related condition. Last evaluated: 2024-05-01. Review status: no assertion criteria provided. Collection method: clinical testing. Allele origin: germline. Not counted in ClinVar's aggregate classification.
Comment: This variant is classified as likely benign based on ACMG/AMP sequence variant interpretation guidelines (Richards et al. 2015 PMID: 25741868, with internal and published modifications).